The following is an entry in ClinVar:

NM_024312.5(GNPTAB):c.3612T>C (p.Tyr1204=)

Gene: GNPTAB (N-acetylglucosamine-1-phosphate transferase subunits alpha and beta; minus strand). Cytogenetic location: 12q23.2.
Variant type: single nucleotide variant.
Coding change: c.3612T>C on transcript NM_024312.5 (MANE Select); coding-DNA position 3612, T replaced by C.
Protein change: p.Tyr1204=; no amino-acid change (tyrosine 1204 retained).
Molecular consequence: synonymous variant.
Genome position (GRCh38, 1-based): chr12:101,749,182, A>G on the plus strand (T>C on the coding strand, the complement: GNPTAB is on the minus strand). VCF-style: chr12-101749182-A-G. GRCh37 (hg19) VCF-style: chr12-102142960-A-G.
Other names: c.3612T>C (NM_024312.4).
Identifiers: ClinVar variation 1100084 (VCV001100084.11), dbSNP rs1457465597, ClinGen allele CA481317010.
Genomic context (GRCh38, chr12:101,749,182, plus strand): 5'-TATAGTAAACATAATCAATGTTGCTAGTACACAATGGGTCCAAAACTTCAATTTGTCTCG[A>G]TAAGCCCTCCTGTGCAGAGAGAAGAAAGCAACTATGTACTTCTGTATATGGTTTCACTAC-3'
Protein context (NP_077288.2, residues 1194-1214): HMHELQEWRA[Tyr1204=]RDKLKFWTHC

ClinVar aggregate classification (germline): Likely benign. Review status: criteria provided, single submitter (1 of 4 stars). 2 submissions from 2 submitters: Likely benign (1). 1 of the submissions does not count toward it. Last evaluated 2022-02-06.

Conditions:
Mucolipidosis type II. Also called: ML II ALPHA/BETA; Mucolipidosis 2; ML 2; Inclusion cell disease; Leroy Disease; N-acetylglucosamine 1phosphotransferase deficiency. Identifiers: Orphanet 576, MedGen C2673377, MONDO:0009650, OMIM 252500.
Pseudo-Hurler polydystrophy. Also called: MUCOLIPIDOSIS IIIA; ML III; ML III ALPHA/BETA; Type III Mucolipidosis; ML IIIA; Mucolipidosis III Alpha/Beta. Identifiers: Orphanet 423461, Orphanet 577, MedGen C0033788, MONDO:0018931, OMIM 252600.
GNPTAB-Related Disorders. Also called: GNPTAB-related disorder; GNPTAB-related condition. Identifiers: MedGen CN381523.

Allele frequency attached by ClinVar (database versions not stated): TOPMed 0.00001; gnomAD exomes below 0.00001.
gnomAD v4.1: 1 of 1,604,450 alleles (0.000062%); highest among the groups gnomAD compares: African/African-American, 0.0013%; no homozygotes.

Submissions (2):

Labcorp Genetics (formerly Invitae), Labcorp
Classification: Likely benign for Pseudo-Hurler polydystrophy; Mucolipidosis type II. Last evaluated: 2022-02-06. Review status: criteria provided, single submitter. Criteria: Invitae Variant Classification Sherloc (09022015). Collection method: clinical testing. Allele origin: germline.

PreventionGenetics, part of Exact Sciences
Classification: Likely benign for GNPTAB-related condition. Last evaluated: 2020-09-21. Review status: no assertion criteria provided. Collection method: clinical testing. Allele origin: germline. Not counted in ClinVar's aggregate classification.
Comment: This variant is classified as likely benign based on ACMG/AMP sequence variant interpretation guidelines (Richards et al. 2015 PMID: 25741868, with internal and published modifications).